The following is an entry in ClinVar:

NM_000091.5(COL4A3):c.1373G>T (p.Gly458Val)

Genes: COL4A3 (collagen type IV alpha 3 chain; plus strand), MFF-DT (MFF divergent transcript; minus strand). Cytogenetic location: 2q36.3.
Variant type: single nucleotide variant.
Coding change: c.1373G>T on transcript NM_000091.5 (MANE Select); coding-DNA position 1373, G replaced by T.
Protein change: p.Gly458Val; replaces glycine 458 with valine.
Molecular consequence: missense variant.
Genome position (GRCh38, 1-based): chr2:227,266,474, G>T. VCF-style: chr2-227266474-G-T. GRCh37 (hg19) VCF-style: chr2-228131190-G-T.
Other names: p.(Gly458Val); short protein forms G458V.
Identifiers: ClinVar variation 3236081 (VCV003236081.3), dbSNP rs2125981183, ClinGen allele CA350870156.

ClinVar aggregate classification (germline): Likely pathogenic. Review status: criteria provided, multiple submitters, no conflicts (2 of 4 stars). 3 submissions from 3 submitters: Likely pathogenic (3). Last evaluated 2026-04-01.

Conditions:
Autosomal dominant Alport syndrome (ATS3A). Also called: Alport syndrome dominant type; Renal failure and sensorineural hearing loss; ALPORT SYNDROME 3A, AUTOSOMAL DOMINANT. Identifiers: Orphanet 63, Orphanet 88918, MedGen C5882663, MONDO:0007086, OMIM 104200.
Hematuria, benign familial, 2 (BFH2). Identifiers: MedGen C5830421, MONDO:0958186, OMIM 620320.
Alport syndrome. Also called: Hemorrhagic familial nephritis; Hemorrhagic hereditary nephritis; Congenital hereditary hematuria. Identifiers: Orphanet 63, MedGen C1567741, MONDO:0018965.

Submissions (3):

Centre de Génétique Humaine, Institut de Pathologie Et de Génétique
Classification: Likely pathogenic for Autosomal dominant Alport syndrome; Hematuria, benign familial, 2. Last evaluated: 2026-04-01. Review status: criteria provided, single submitter. Criteria: ACMG Guidelines, 2015. Collection method: clinical testing. Allele origin: germline, maternal. Inheritance: Autosomal dominant inheritance. Affected: yes. Observed: 3 variant alleles, 3 heterozygotes. Clinical features observed: Microscopic hematuria (HP:0002907), Chronic kidney disease (HP:0012622), Renal cyst (HP:0000107), Hypertensive disorder (HP:0000822). Segregation with disease observed.
Comment: This missense variant involves a highly conserved glycine located in a ‘Gly-X-Y’ motif in collagenous region, which is characteristic of the pathogenic variants identified in the COL4A3 gene (PM1,PP2). This variant is rare: absent in gnomAD v4.1.0 database (PM2); In silico analysis supports that this missense variant has a deleterious effect (PP3). Another 2 missense variant affecting the same residue described as LP: c.1372G>A, p.(GLy 458Arg) and c.1372G>C, p.(GLy 458Arg) (PM5); described as LP n ClinVar

Natera, Inc.
Classification: Likely pathogenic for Alport syndrome. Last evaluated: 2025-08-26. Review status: criteria provided, single submitter. Criteria: Natera Variant Classification Schema (03/2026). Collection method: clinical testing. Allele origin: germline.
Comment: The c.1373G>T variant in COL4A3 is a missense variant predicted to cause substitution of glycine to valine at amino acid 458. This variant is rare in the general population with a frequency below the threshold expected for the associated phenotype(s). This variant is located in a functionally critical region of the protein. Computational prediction algorithms indicate this variant is likely to affect gene or protein function. Given the available evidence, this variant is classified as Likely Pathogenic.

MVZ Medizinische Genetik Mainz
Classification: Likely pathogenic for Autosomal dominant Alport syndrome. Last evaluated: 2023-09-26. Review status: criteria provided, single submitter. Criteria: UK Practice Guidelines For Variant Classification V4 01 2020. Collection method: clinical testing. Allele origin: germline. Inheritance: Autosomal dominant inheritance. Affected: yes. Observed: 1 variant allele.
Comment: ACMG Criteria: PM1_STR,PP3_MOD,PM2_SUP

Literature cited by the submitters: PubMed 39990878 (cited by Centre de Génétique Humaine, Institut de Pathologie Et de Génétique); PubMed 35325889 (cited by Centre de Génétique Humaine, Institut de Pathologie Et de Génétique).